The following is an entry in ClinVar:

NM_001029883.3(PCARE):c.3440C>T (p.Ser1147Leu)

Gene: PCARE (photoreceptor cilium actin regulator; minus strand). Cytogenetic location: 2p23.2.
Variant type: single nucleotide variant.
Coding change: c.3440C>T on transcript NM_001029883.3 (MANE Select); coding-DNA position 3440, C replaced by T.
Protein change: p.Ser1147Leu; replaces serine 1147 with leucine.
Molecular consequence: missense variant.
Genome position (GRCh38, 1-based): chr2:29,070,822, G>A on the plus strand (C>T on the coding strand, the complement: PCARE is on the minus strand). VCF-style: chr2-29070822-G-A. GRCh37 (hg19) VCF-style: chr2-29293688-G-A.
Other names: c.3440C>T (NM_001029883.1); short protein forms S1147L.
Identifiers: ClinVar variation 938103 (VCV000938103.8), dbSNP rs368208413, ClinGen allele CA1591938.
Genomic context (GRCh38, chr2:29,070,822, plus strand): 5'-GAGCTGTTCTTCCAGCATTCTGCTGGGTTCCCGAGAGGGCCCCCAGCCTCTGGCGGCAGC[G>A]ATGGTGGGGTCAGTGGGTGGGCTGTTGAGAGTGGCGGTTTAGCTTCAAACAGAGAGGAGG-3'
Protein context (NP_001025054.1, residues 1137-1157): LSTAHPLTPP[Ser1147Leu]LPPEAGGPLG

ClinVar aggregate classification (germline): Conflicting classifications of pathogenicity. Review status: criteria provided, conflicting classifications (1 of 4 stars). 3 submissions from 3 submitters: Uncertain significance (2); Likely benign (1). Last evaluated 2024-12-02.

Conditions:
Inborn genetic diseases. Identifiers: MedGen C0950123, MeSH D030342.

Allele frequency attached by ClinVar (database versions not stated): gnomAD exomes 0.00002 and 0.00006; ExAC 0.00006; TOPMed 0.00013; gnomAD 0.00014 and 0.00015; 1000 Genomes Project 30x 0.00016; ESP Exome Variant Server 0.00016.
gnomAD v4.1: 53 of 1,614,140 alleles (0.0033%); highest among the groups gnomAD compares: African/African-American, 0.041%; no homozygotes.

Submissions (3):

Labcorp Genetics (formerly Invitae), Labcorp
Classification: Uncertain significance. Last evaluated: 2024-12-02. Review status: criteria provided, single submitter. Criteria: Invitae Variant Classification Sherloc (09022015). Collection method: clinical testing. Allele origin: germline.
Comment: This sequence change replaces serine, which is neutral and polar, with leucine, which is neutral and non-polar, at codon 1147 of the PCARE protein (p.Ser1147Leu). This variant is present in population databases (rs368208413, gnomAD 0.04%). This variant has not been reported in the literature in individuals affected with PCARE-related conditions. ClinVar contains an entry for this variant (Variation ID: 938103). An algorithm developed to predict the effect of missense changes on protein structure and function (PolyPhen-2) suggests that this variant¬†is likely to be tolerated. In summary, the available evidence is currently insufficient to determine the role of this variant in disease. Therefore, it has been classified as a Variant of Uncertain Significance.

Blueprint Genetics
Classification: Likely benign. Last evaluated: 2024-11-15. Review status: criteria provided, single submitter. Criteria: ACMG Guidelines, 2015. Collection method: clinical testing. Allele origin: germline.

Ambry Genetics
Classification: Uncertain significance for Inborn genetic diseases. Last evaluated: 2021-07-14. Review status: criteria provided, single submitter. Criteria: Ambry Variant Classification Scheme 2023. Collection method: clinical testing. Allele origin: germline.